The following is an entry in ClinVar:

ClinVar aggregate classification (germline): Likely benign. Review status: criteria provided, multiple submitters, no conflicts (2 of 4 stars). 6 submissions from 6 submitters: Likely benign (4). 2 of the submissions do not count toward it. Last evaluated 2026-02-03.

Conditions:
POLE-related disorder. Also called: POLE-related disorders; POLE-related condition.
Colorectal cancer, susceptibility to, 12 (CRCS12). Also called: COLORECTAL CANCER, SUSCEPTIBILITY TO, ON CHROMOSOME 12q24. Identifiers: Orphanet 220460, MedGen C3554460, MONDO:0014038, OMIM 615083.

Allele frequency attached by ClinVar (database versions not stated): TOPMed 0.00003; ESP Exome Variant Server 0.00008; ExAC 0.00003; gnomAD 0.00003.
gnomAD v4.1: 44 of 1,531,992 alleles (0.0029%); highest among the groups gnomAD compares: African/African-American, 0.011%; no homozygotes.

Submissions (6):

Labcorp Genetics (formerly Invitae), Labcorp
Classification: Likely benign. Last evaluated: 2026-02-03. Review status: criteria provided, single submitter. Criteria: Invitae Variant Classification Sherloc (09022015). Collection method: clinical testing. Allele origin: germline.

Center for Genomic Medicine, Rigshospitalet, Copenhagen University Hospital
Classification: Likely benign. Last evaluated: 2025-03-04. Review status: criteria provided, single submitter. Criteria: ACMG Guidelines, 2015. Collection method: clinical testing. Allele origin: germline.

Quest Diagnostics Nichols Institute San Juan Capistrano
Classification: Likely benign. Last evaluated: 2017-09-05. Review status: criteria provided, single submitter. Criteria: Quest Diagnostics criteria. Collection method: clinical testing. Allele origin: germline.

GeneDx
Classification: Likely benign. Last evaluated: 2016-01-06. Review status: criteria provided, single submitter. Criteria: GeneDx Variant Classification (06012015). Collection method: clinical testing. Allele origin: germline. Affected: yes.
Comment: This variant is considered likely benign or benign based on one or more of the following criteria: it is a conservative change, it occurs at a poorly conserved position in the protein, it is predicted to be benign by multiple in silico algorithms, and/or has population frequency not consistent with disease.

PreventionGenetics, part of Exact Sciences
Classification: Likely benign for POLE-related condition. Last evaluated: 2022-11-28. Review status: no assertion criteria provided. Collection method: clinical testing. Allele origin: germline. Not counted in ClinVar's aggregate classification.
Comment: This variant is classified as likely benign based on ACMG/AMP sequence variant interpretation guidelines (Richards et al. 2015 PMID: 25741868, with internal and published modifications).

Counsyl
Classification: Likely benign for Colorectal cancer, susceptibility to, 12. Last evaluated: 2016-10-18. Review status: no assertion criteria provided. Collection method: clinical testing. Allele origin: unknown. Not counted in ClinVar's aggregate classification.

NM_006231.4(POLE):c.5173+10C>T

Gene: POLE (DNA polymerase epsilon, catalytic subunit; minus strand). Cytogenetic location: 12q24.33.
Variant type: single nucleotide variant.
Coding change: c.5173+10C>T on transcript NM_006231.4 (MANE Select); 10 bases into the intron after coding-DNA position 5173, C replaced by T.
Molecular consequence: intron variant.
Genome position (GRCh38, 1-based): chr12:132,642,167, G>A on the plus strand (C>T on the coding strand, the complement: POLE is on the minus strand). VCF-style: chr12-132642167-G-A. GRCh37 (hg19) VCF-style: chr12-133218753-G-A.
Identifiers: ClinVar variation 372025 (VCV000372025.19), dbSNP rs371098994, ClinGen allele CA6892619.